The following is an entry in ClinVar:

NM_032656.4(DHX37):c.1631C>T (p.Pro544Leu)

Gene: DHX37 (DEAH-box helicase 37; minus strand). Cytogenetic location: 12q24.31.
Variant type: single nucleotide variant.
Coding change: c.1631C>T on transcript NM_032656.4 (MANE Select); coding-DNA position 1631, C replaced by T.
Protein change: p.Pro544Leu; replaces proline 544 with leucine.
Molecular consequence: missense variant.
Genome position (GRCh38, 1-based): chr12:124,965,772, G>A on the plus strand (C>T on the coding strand, the complement: DHX37 is on the minus strand). VCF-style: chr12-124965772-G-A. GRCh37 (hg19) VCF-style: chr12-125450318-G-A.
Other names: c.1631C>T (NM_032656.3); short protein forms P544L.
Identifiers: ClinVar variation 2085085 (VCV002085085.6), dbSNP rs148596974, ClinGen allele CA6871927.

ClinVar aggregate classification (germline): Uncertain significance. Review status: criteria provided, multiple submitters, no conflicts (2 of 4 stars). 3 submissions from 3 submitters: Uncertain significance (2). 1 of the submissions does not count toward it. Last evaluated 2025-07-07.

Conditions:
Inborn genetic diseases. Identifiers: MedGen C0950123, MeSH D030342.
DHX37-related disorder. Also called: DHX37-related condition; DHX37-Related Disorders.

Allele frequency attached by ClinVar (database versions not stated): gnomAD 0.00013; ESP Exome Variant Server 0.00015; 1000 Genomes Project 30x 0.00016; gnomAD exomes 0.00017; TOPMed 0.00018; 1000 Genomes Project 0.00020; ExAC 0.00022.
gnomAD v4.1: 280 of 1,613,870 alleles (0.017%); highest among the groups gnomAD compares: Admixed American, 0.035%; no homozygotes.

Submissions (3):

Labcorp Genetics (formerly Invitae), Labcorp
Classification: Uncertain significance. Last evaluated: 2025-07-07. Review status: criteria provided, single submitter. Criteria: Invitae Variant Classification Sherloc (09022015). Collection method: clinical testing. Allele origin: germline.
Comment: This sequence change replaces proline, which is neutral and non-polar, with leucine, which is neutral and non-polar, at codon 544 of the DHX37 protein (p.Pro544Leu). This variant is present in population databases (rs148596974, gnomAD 0.03%). This variant has not been reported in the literature in individuals affected with DHX37-related conditions. ClinVar contains an entry for this variant (Variation ID: 2085085). Invitae Evidence Modeling of protein sequence and biophysical properties (such as structural, functional, and spatial information, amino acid conservation, physicochemical variation, residue mobility, and thermodynamic stability) indicates that this missense variant is not expected to disrupt DHX37 protein function with a negative predictive value of 80%. In summary, the available evidence is currently insufficient to determine the role of this variant in disease. Therefore, it has been classified as a Variant of Uncertain Significance.

Ambry Genetics
Classification: Uncertain significance for Inborn genetic diseases. Last evaluated: 2024-11-25. Review status: criteria provided, single submitter. Criteria: Ambry Variant Classification Scheme 2023. Collection method: clinical testing. Allele origin: germline.

PreventionGenetics, part of Exact Sciences
Classification: Uncertain significance for DHX37-related condition. Last evaluated: 2024-09-25. Review status: no assertion criteria provided. Collection method: clinical testing. Allele origin: germline. Not counted in ClinVar's aggregate classification.
Comment: The DHX37 c.1631C>T variant is predicted to result in the amino acid substitution p.Pro544Leu. To our knowledge, this variant has not been reported in the literature. This variant is reported in 0.040% of alleles in individuals of Latino descent in gnomAD. At this time, the clinical significance of this variant is uncertain due to the absence of conclusive functional and genetic evidence.